The following is an entry in ClinVar:

NM_181458.4(PAX3):c.721A>T (p.Thr241Ser)

Gene: PAX3 (paired box 3; minus strand). Cytogenetic location: 2q36.1.
Variant type: single nucleotide variant.
Coding change: c.721A>T on transcript NM_181458.4 (MANE Select); coding-DNA position 721, A replaced by T.
Protein change: p.Thr241Ser; replaces threonine 241 with serine.
Molecular consequence: missense variant.
Genome position (GRCh38, 1-based): chr2:222,232,149, T>A on the plus strand (A>T on the coding strand, the complement: PAX3 is on the minus strand). VCF-style: chr2-222232149-T-A. GRCh37 (hg19) VCF-style: chr2-223096868-T-A.
Other names: c.718A>T, p.Thr240Ser (NM_001127366.3); c.721A>T, p.Thr241Ser (NM_181457.4, NM_181459.4, NM_181460.4 and 1 more transcripts); short protein forms T241S, T240S.
Identifiers: ClinVar variation 514816 (VCV000514816.12), dbSNP rs529347506, ClinGen allele CA2135596.

ClinVar aggregate classification (germline): Likely benign. Review status: criteria provided, multiple submitters, no conflicts (2 of 4 stars). 3 submissions from 3 submitters: Likely benign (2). 1 of the submissions does not count toward it. Last evaluated 2025-09-24.

Conditions:
PAX3-related disorder. Also called: PAX3-related condition.

Allele frequency attached by ClinVar (database versions not stated): gnomAD exomes 0.00012 and 0.00040; ExAC 0.00030; 1000 Genomes Project 30x 0.00047; gnomAD 0.00048 and 0.00050; 1000 Genomes Project 0.00060; TOPMed 0.00061.
gnomAD v4.1: 248 of 1,614,054 alleles (0.015%); highest among the groups gnomAD compares: Admixed American, 0.28%; 1 homozygote.

Submissions (3):

Labcorp Genetics (formerly Invitae), Labcorp
Classification: Likely benign. Last evaluated: 2025-09-24. Review status: criteria provided, single submitter. Criteria: Invitae Variant Classification Sherloc (09022015). Collection method: clinical testing. Allele origin: germline.

GeneDx
Classification: Likely benign. Last evaluated: 2020-09-28. Review status: criteria provided, single submitter. Criteria: GeneDx Variant Classification Process June 2021. Collection method: clinical testing. Allele origin: germline. Affected: yes.

PreventionGenetics, part of Exact Sciences
Classification: Likely benign for PAX3-related condition. Last evaluated: 2024-06-25. Review status: no assertion criteria provided. Collection method: clinical testing. Allele origin: germline. Not counted in ClinVar's aggregate classification.
Comment: This variant is classified as likely benign based on ACMG/AMP sequence variant interpretation guidelines (Richards et al. 2015 PMID: 25741868, with internal and published modifications).